The following is an entry in ClinVar:

ClinVar aggregate classification (germline): Conflicting classifications of pathogenicity. Review status: criteria provided, conflicting classifications (1 of 4 stars). 3 submissions from 3 submitters: Uncertain significance (2); Likely benign (1). Last evaluated 2026-09-03.

Conditions:
Oligodontia-cancer predisposition syndrome. Also called: TOOTH AGENESIS-COLORECTAL CANCER SYNDROME. Identifiers: Orphanet 300576, MedGen C1837750, MONDO:0012075, OMIM 608615. Disease mechanism: loss of function.
Hereditary cancer-predisposing syndrome. Also called: Neoplastic Syndromes, Hereditary; Tumor predisposition; Hereditary Cancer Syndrome; Hereditary neoplastic syndrome. Identifiers: Orphanet 140162, MedGen C0027672, MeSH D009386, MONDO:0015356.
AXIN2-related disorder.

Allele frequency attached by ClinVar (database versions not stated): gnomAD exomes below 0.00001 and 0.00001.
gnomAD v4.1: 2 of 1,614,146 alleles (0.00012%); highest among the groups gnomAD compares: Non-Finnish European, 0.000085%; no homozygotes.

Submissions (3):

PreventionGenetics, part of Exact Sciences
Classification: Uncertain significance for AXIN2-related condition. Last evaluated: 2026-09-03. Review status: criteria provided, single submitter. Criteria: ACMG Guidelines, 2015. Collection method: clinical testing. Allele origin: germline.
Comment: The AXIN2 c.463A>G variant is predicted to result in the amino acid substitution p.Thr155Ala. To our knowledge, this variant has not been reported in the literature. It is reported in 0.0054% of alleles in individuals of East Asian descent in gnomAD and has conflicting interpretations in ClinVar ranging from likely benign to uncertain (Variation ID: 575449). Although we suspect that this variant may be benign, at this time, the clinical significance of this variant is uncertain due to the absence of conclusive functional and genetic evidence.

Ambry Genetics
Classification: Likely benign for Hereditary cancer-predisposing syndrome. Last evaluated: 2025-11-10. Review status: criteria provided, single submitter. Criteria: Ambry Variant Classification Scheme 2023. Collection method: clinical testing. Allele origin: germline.

Labcorp Genetics (formerly Invitae), Labcorp
Classification: Uncertain significance for Oligodontia-cancer predisposition syndrome. Last evaluated: 2025-01-13. Review status: criteria provided, single submitter. Criteria: Invitae Variant Classification Sherloc (09022015). Collection method: clinical testing. Allele origin: germline.
Comment: This sequence change replaces threonine, which is neutral and polar, with alanine, which is neutral and non-polar, at codon 155 of the AXIN2 protein (p.Thr155Ala). This variant is present in population databases (no rsID available, gnomAD 0.006%). This variant has not been reported in the literature in individuals affected with AXIN2-related conditions. ClinVar contains an entry for this variant (Variation ID: 575449). Invitae Evidence Modeling of protein sequence and biophysical properties (such as structural, functional, and spatial information, amino acid conservation, physicochemical variation, residue mobility, and thermodynamic stability) indicates that this missense variant is not expected to disrupt AXIN2 protein function with a negative predictive value of 80%. In summary, the available evidence is currently insufficient to determine the role of this variant in disease. Therefore, it has been classified as a Variant of Uncertain Significance.

NM_004655.4(AXIN2):c.463A>G (p.Thr155Ala)

Gene: AXIN2 (axin 2; minus strand). Cytogenetic location: 17q24.1.
Variant type: single nucleotide variant.
Coding change: c.463A>G on transcript NM_004655.4 (MANE Select); coding-DNA position 463, A replaced by G.
Protein change: p.Thr155Ala; replaces threonine 155 with alanine.
Molecular consequence: missense variant.
Genome position (GRCh38, 1-based): chr17:65,558,158, T>C on the plus strand (A>G on the coding strand, the complement: AXIN2 is on the minus strand). VCF-style: chr17-65558158-T-C. GRCh37 (hg19) VCF-style: chr17-63554276-T-C.
Other names: c.463A>G (LRG_296t1); c.463A>G, p.Thr155Ala (NM_001363813.1); short protein forms T155A.
Identifiers: ClinVar variation 575449 (VCV000575449.13), dbSNP rs1443332884, ClinGen allele CA400681303.